The following is an entry in ClinVar:

NM_014283.5(SUCO):c.757G>C (p.Asp253His)

Gene: SUCO (SUN domain containing ossification factor; plus strand). Cytogenetic location: 1q24.3.
Variant type: single nucleotide variant.
Coding change: c.757G>C on transcript NM_014283.5 (MANE Select); coding-DNA position 757, G replaced by C.
Protein change: p.Asp253His; replaces aspartic acid 253 with histidine.
Molecular consequence: missense variant. On other transcripts: 5 prime UTR variant (1).
Genome position (GRCh38, 1-based): chr1:172,569,043, G>C. VCF-style: chr1-172569043-G-C. GRCh37 (hg19) VCF-style: chr1-172538183-G-C.
Other names: c.646G>C, p.Asp216His (NM_001282750.2); c.-773G>C (NM_001282751.2); c.1231G>C, p.Asp411His (NM_016227.4); short protein forms D411H, D253H, D216H.
Identifiers: ClinVar variation 1499917 (VCV001499917.6), dbSNP rs1427287256, ClinGen allele CA343737152.

ClinVar aggregate classification (germline): Uncertain significance (1 of 4 stars; one submission).

Allele frequency attached by ClinVar (database versions not stated): gnomAD exomes below 0.00001 and 0.00001; TOPMed 0.00001.
gnomAD v4.1: 14 of 1,590,956 alleles (0.00088%); highest among the groups gnomAD compares: Non-Finnish European, 0.0012%; no homozygotes.

Submission:

Labcorp Genetics (formerly Invitae), Labcorp
Classification: Uncertain significance. Last evaluated: 2021-10-20. Review status: criteria provided, single submitter. Criteria: Invitae Variant Classification Sherloc (09022015). Collection method: clinical testing. Allele origin: germline.
Comment: This sequence change replaces aspartic acid with histidine at codon 253 of the SUCO protein (p.Asp253His). The aspartic acid residue is weakly conserved and there is a moderate physicochemical difference between aspartic acid and histidine. This variant is not present in population databases (ExAC no frequency). This variant has not been reported in the literature in individuals affected with SUCO-related conditions. Algorithms developed to predict the effect of missense changes on protein structure and function (SIFT, PolyPhen-2, Align-GVGD) all suggest that this variant is likely to be tolerated. In summary, the available evidence is currently insufficient to determine the role of this variant in disease. Therefore, it has been classified as a Variant of Uncertain Significance.